The following is an entry in ClinVar:

NM_018718.3(CEP41):c.850C>T (p.Arg284Trp)

Gene: CEP41 (centrosomal protein 41; minus strand). Cytogenetic location: 7q32.2.
Variant type: single nucleotide variant.
Coding change: c.850C>T on transcript NM_018718.3 (MANE Select); coding-DNA position 850, C replaced by T.
Protein change: p.Arg284Trp; replaces arginine 284 with tryptophan.
Molecular consequence: missense variant. On other transcripts: non-coding transcript variant (1), intron variant (2).
Genome position (GRCh38, 1-based): chr7:130,400,162, G>A on the plus strand (C>T on the coding strand, the complement: CEP41 is on the minus strand). VCF-style: chr7-130400162-G-A. GRCh37 (hg19) VCF-style: chr7-130040003-G-A.
Other names: c.709+545C>T (NM_001257159.2); c.757+545C>T (NM_001257158.2); short protein forms R284W.
Identifiers: ClinVar variation 1511028 (VCV001511028.5), dbSNP rs782729874, ClinGen allele CA4485450.

ClinVar aggregate classification (germline): Uncertain significance (1 of 4 stars; one submission).

Conditions:
Joubert syndrome 15 (JBTS15). Identifiers: Orphanet 475, MedGen C3280897, MONDO:0013763, OMIM 614464.

Allele frequency attached by ClinVar (database versions not stated): ExAC 0.00001; gnomAD 0.00001; TOPMed 0.00001; gnomAD exomes 0.00002.
gnomAD v4.1: 30 of 1,613,518 alleles (0.0019%); highest among the groups gnomAD compares: East Asian, 0.0045%; no homozygotes.

Submission:

Labcorp Genetics (formerly Invitae), Labcorp
Classification: Uncertain significance for Joubert syndrome 15. Last evaluated: 2022-08-19. Review status: criteria provided, single submitter. Criteria: Invitae Variant Classification Sherloc (09022015). Collection method: clinical testing. Allele origin: germline.
Comment: This sequence change replaces arginine, which is basic and polar, with tryptophan, which is neutral and slightly polar, at codon 284 of the CEP41 protein (p.Arg284Trp). This variant is present in population databases (rs782729874, gnomAD 0.01%). This variant has not been reported in the literature in individuals affected with CEP41-related conditions. ClinVar contains an entry for this variant (Variation ID: 1511028). Algorithms developed to predict the effect of missense changes on protein structure and function are either unavailable or do not agree on the potential impact of this missense change (SIFT: "Deleterious"; PolyPhen-2: "Probably Damaging"; Align-GVGD: "Class C0"). In summary, the available evidence is currently insufficient to determine the role of this variant in disease. Therefore, it has been classified as a Variant of Uncertain Significance.